The following is an entry in ClinVar:

ClinVar aggregate classification (germline): Uncertain significance. Review status: criteria provided, multiple submitters, no conflicts (2 of 4 stars). 3 submissions from 3 submitters: Uncertain significance (2). 1 of the submissions does not count toward it. Last evaluated 2024-06-25.

Conditions:
Congenital neutropenia-myelofibrosis-nephromegaly syndrome. Also called: Severe congenital neutropenia 5, autosomal recessive. Identifiers: Orphanet 369852, MedGen C3809031, MONDO:0014118, OMIM 615285.

Allele frequency attached by ClinVar (database versions not stated): gnomAD 0.00002 and 0.00003; gnomAD exomes 0.00002 and 0.00004; TOPMed 0.00003; ExAC 0.00007.
gnomAD v4.1: 26 of 1,614,046 alleles (0.0016%); highest among the groups gnomAD compares: South Asian, 0.0044%; no homozygotes.

Submissions (3):

Blueprint Genetics
Classification: Uncertain significance. Last evaluated: 2024-06-25. Review status: criteria provided, single submitter. Criteria: ACMG Guidelines, 2015. Collection method: clinical testing. Allele origin: germline.

Labcorp Genetics (formerly Invitae), Labcorp
Classification: Uncertain significance for Congenital neutropenia-myelofibrosis-nephromegaly syndrome. Last evaluated: 2024-02-17. Review status: criteria provided, single submitter. Criteria: Invitae Variant Classification Sherloc (09022015). Collection method: clinical testing. Allele origin: germline.
Comment: This sequence change replaces arginine, which is basic and polar, with glutamine, which is neutral and polar, at codon 340 of the VPS45 protein (p.Arg340Gln). This variant is present in population databases (rs782749137, gnomAD 0.007%). This variant has not been reported in the literature in individuals affected with VPS45-related conditions. ClinVar contains an entry for this variant (Variation ID: 971734). Advanced modeling of protein sequence and biophysical properties (such as structural, functional, and spatial information, amino acid conservation, physicochemical variation, residue mobility, and thermodynamic stability) has been performed at Invitae for this missense variant, however the output from this modeling did not meet the statistical confidence thresholds required to predict the impact of this variant on VPS45 protein function. In summary, the available evidence is currently insufficient to determine the role of this variant in disease. Therefore, it has been classified as a Variant of Uncertain Significance.

Natera, Inc.
Classification: Uncertain significance for Autosomal recessive severe congenital neutropenia 5. Last evaluated: 2020-11-17. Review status: no assertion criteria provided. Collection method: clinical testing. Allele origin: germline. Not counted in ClinVar's aggregate classification.

NM_007259.5(VPS45):c.1019G>A (p.Arg340Gln)

Gene: VPS45 (vacuolar protein sorting 45 homolog; plus strand). Cytogenetic location: 1q21.2.
Variant type: single nucleotide variant.
Coding change: c.1019G>A on transcript NM_007259.5 (MANE Select); coding-DNA position 1019, G replaced by A.
Protein change: p.Arg340Gln; replaces arginine 340 with glutamine.
Molecular consequence: missense variant. On other transcripts: non-coding transcript variant (1).
Genome position (GRCh38, 1-based): chr1:150,082,798, G>A. VCF-style: chr1-150082798-G-A. GRCh37 (hg19) VCF-style: chr1-150054882-G-A.
Other names: c.704G>A, p.Arg235Gln (NM_001279353.2); c.911G>A, p.Arg304Gln (NM_001279354.2); short protein forms R340Q, R235Q, R304Q.
Identifiers: ClinVar variation 971734 (VCV000971734.12), dbSNP rs782749137, ClinGen allele CA1073287.